The following is an entry in ClinVar:

ClinVar aggregate classification (germline): Uncertain significance (1 of 4 stars; one submission).

gnomAD v4.1: 2 of 1,614,074 alleles (0.00012%); highest among the groups gnomAD compares: African/African-American, 0.0013%; no homozygotes.

Submission:

Labcorp Genetics (formerly Invitae), Labcorp
Classification: Uncertain significance. Last evaluated: 2024-01-19. Review status: criteria provided, single submitter. Criteria: Invitae Variant Classification Sherloc (09022015). Collection method: clinical testing. Allele origin: germline.
Comment: This sequence change replaces isoleucine, which is neutral and non-polar, with asparagine, which is neutral and polar, at codon 198 of the TYR protein (p.Ile198Asn). This variant is not present in population databases (gnomAD no frequency). This variant has not been reported in the literature in individuals affected with TYR-related conditions. Advanced modeling of protein sequence and biophysical properties (such as structural, functional, and spatial information, amino acid conservation, physicochemical variation, residue mobility, and thermodynamic stability) performed at Invitae indicates that this missense variant is not expected to disrupt TYR protein function with a negative predictive value of 80%. This variant disrupts the p.Ile198 amino acid residue in TYR. Other variant(s) that disrupt this residue have been determined to be pathogenic (PMID: 24934919). This suggests that this residue is clinically significant, and that variants that disrupt this residue are likely to be disease-causing. In summary, the available evidence is currently insufficient to determine the role of this variant in disease. Therefore, it has been classified as a Variant of Uncertain Significance.

Literature cited by the submitters: PubMed 24934919.

NM_000372.5(TYR):c.593T>A (p.Ile198Asn)

Gene: TYR (tyrosinase; plus strand). Cytogenetic location: 11q14.3.
Variant type: single nucleotide variant.
Coding change: c.593T>A on transcript NM_000372.5 (MANE Select); coding-DNA position 593, T replaced by A.
Protein change: p.Ile198Asn; replaces isoleucine 198 with asparagine.
Molecular consequence: missense variant.
Genome position (GRCh38, 1-based): chr11:89,178,546, T>A. VCF-style: chr11-89178546-T-A. GRCh37 (hg19) VCF-style: chr11-88911714-T-A.
Other names: short protein forms I198N.
Identifiers: ClinVar variation 2810705 (VCV002810705.3), dbSNP rs750553908, ClinGen allele CA382034858.